The following is an entry in ClinVar:

NM_001042492.3(NF1):c.4683C>A (p.Ser1561Arg)

Gene: NF1 (neurofibromin 1; plus strand). Cytogenetic location: 17q11.2.
Variant type: single nucleotide variant.
Coding change: c.4683C>A on transcript NM_001042492.3 (MANE Select); coding-DNA position 4683, C replaced by A.
Protein change: p.Ser1561Arg; replaces serine 1561 with arginine.
Molecular consequence: missense variant.
Genome position (GRCh38, 1-based): chr17:31,261,816, C>A. VCF-style: chr17-31261816-C-A. GRCh37 (hg19) VCF-style: chr17-29588834-C-A.
Other names: c.4620C>A, p.Ser1540Arg (NM_000267.4); short protein forms S1540R, S1561R.
Identifiers: ClinVar variation 3628828 (VCV003628828.3).

ClinVar aggregate classification (germline): Uncertain significance. Review status: criteria provided, multiple submitters, no conflicts (2 of 4 stars). 2 submissions from 2 submitters: Uncertain significance (2). Last evaluated 2025-10-07.

Conditions:
Neurofibromatosis, type 1 (NF1). Also called: VON RECKLINGHAUSEN DISEASE; Peripheral type neurofibromatosis; NEUROFIBROMATOSIS, TYPE I, SOMATIC; Neurofibromatosis, type I. Identifiers: Orphanet 636, MedGen C0027831, MONDO:0018975, OMIM 162200. Disease mechanism: loss of function.
Cardiovascular phenotype. Identifiers: MedGen CN230736.
Hereditary cancer-predisposing syndrome. Also called: Hereditary Cancer Syndrome; Hereditary neoplastic syndrome; Neoplastic Syndromes, Hereditary; Tumor predisposition. Identifiers: Orphanet 140162, MedGen C0027672, MeSH D009386, MONDO:0015356.

Submissions (2):

Ambry Genetics
Classification: Uncertain significance for Cardiovascular phenotype; Hereditary cancer-predisposing syndrome. Last evaluated: 2025-10-07. Review status: criteria provided, single submitter. Criteria: Ambry Variant Classification Scheme 2023. Collection method: clinical testing. Allele origin: germline.
Comment: The p.S1540R variant (also known as c.4620C>A), located in coding exon 34 of the NF1 gene, results from a C to A substitution at nucleotide position 4620. The serine at codon 1540 is replaced by arginine, an amino acid with dissimilar properties. This amino acid position is conserved. In addition, the in silico prediction for this alteration is inconclusive. Based on the available evidence, the clinical significance of this variant remains unclear.

Labcorp Genetics (formerly Invitae), Labcorp
Classification: Uncertain significance for Neurofibromatosis, type 1. Last evaluated: 2024-05-11. Review status: criteria provided, single submitter. Criteria: Invitae Variant Classification Sherloc (09022015). Collection method: clinical testing. Allele origin: germline.
Comment: This sequence change replaces serine, which is neutral and polar, with arginine, which is basic and polar, at codon 1540 of the NF1 protein (p.Ser1540Arg). This variant is not present in population databases (gnomAD no frequency). This variant has not been reported in the literature in individuals affected with NF1-related conditions. Advanced modeling of protein sequence and biophysical properties (such as structural, functional, and spatial information, amino acid conservation, physicochemical variation, residue mobility, and thermodynamic stability) has been performed at Invitae for this missense variant, however the output from this modeling did not meet the statistical confidence thresholds required to predict the impact of this variant on NF1 protein function. In summary, the available evidence is currently insufficient to determine the role of this variant in disease. Therefore, it has been classified as a Variant of Uncertain Significance.